The following is an entry in ClinVar:

ClinVar aggregate classification (germline): Uncertain significance. Review status: criteria provided, multiple submitters, no conflicts (2 of 4 stars). 2 submissions from 2 submitters: Uncertain significance (2). Last evaluated 2022-10-17.

Conditions:
Familial hypocalciuric hypercalcemia 2. Also called: Hypocalciuric hypercalcemia, familial, type II; Hypocalciuric hypercalcemia, type II; FAMILIAL BENIGN HYPERCALCEMIA, TYPE II. Identifiers: Orphanet 101049, Orphanet 405, MedGen C1840347, MONDO:0007792, OMIM 145981.
Autosomal dominant hypocalcemia 2. Identifiers: Orphanet 2238, Orphanet 428, MedGen C3809243, MONDO:0014146, OMIM 615361.

Allele frequency attached by ClinVar (database versions not stated): gnomAD 0.00001; gnomAD exomes 0.00001 and 0.00002; TOPMed 0.00002; ExAC 0.00003; ESP Exome Variant Server 0.00008; 1000 Genomes Project 30x 0.00016.

Submissions (2):

Labcorp Genetics (formerly Invitae), Labcorp
Classification: Uncertain significance. Last evaluated: 2022-10-17. Review status: criteria provided, single submitter. Criteria: Invitae Variant Classification Sherloc (09022015). Collection method: clinical testing. Allele origin: germline.
Comment: In summary, the available evidence is currently insufficient to determine the role of this variant in disease. Therefore, it has been classified as a Variant of Uncertain Significance. Advanced modeling of protein sequence and biophysical properties (such as structural, functional, and spatial information, amino acid conservation, physicochemical variation, residue mobility, and thermodynamic stability) performed at Invitae indicates that this missense variant is not expected to disrupt GNA11 protein function. ClinVar contains an entry for this variant (Variation ID: 1021156). This variant has not been reported in the literature in individuals affected with GNA11-related conditions. This variant is present in population databases (rs144829732, gnomAD 0.01%). This sequence change replaces valine, which is neutral and non-polar, with isoleucine, which is neutral and non-polar, at codon 269 of the GNA11 protein (p.Val269Ile).

Fulgent Genetics
Classification: Uncertain significance for Familial hypocalciuric hypercalcemia 2; Autosomal dominant hypocalcemia 2. Last evaluated: 2022-03-15. Review status: criteria provided, single submitter. Criteria: ACMG Guidelines, 2015. Collection method: clinical testing. Allele origin: unknown.

NM_002067.5(GNA11):c.805G>A (p.Val269Ile)

Gene: GNA11 (G protein subunit alpha 11; plus strand). Cytogenetic location: 19p13.3.
Variant type: single nucleotide variant.
Coding change: c.805G>A on transcript NM_002067.5 (MANE Select); coding-DNA position 805, G replaced by A.
Protein change: p.Val269Ile; replaces valine 269 with isoleucine.
Molecular consequence: missense variant.
Genome position (GRCh38, 1-based): chr19:3,119,275, G>A. VCF-style: chr19-3119275-G-A. GRCh37 (hg19) VCF-style: chr19-3119273-G-A.
Other names: short protein forms V269I.
Identifiers: ClinVar variation 1021156 (VCV001021156.10), dbSNP rs144829732, ClinGen allele CA9075021.